The following is an entry in ClinVar:

ClinVar aggregate classification (germline): Uncertain significance. Review status: criteria provided, multiple submitters, no conflicts (2 of 4 stars). 2 submissions from 2 submitters: Uncertain significance (2). Last evaluated 2025-04-17.

Conditions:
Familial dysautonomia. Also called: FD; HSAN III. Identifiers: Orphanet 1764, MedGen C0013364, MONDO:0009131, OMIM 223900. Disease mechanism: loss of function.
Medulloblastoma (MDB). Also called: Medulloblastoma, somatic; MEDULLOBLASTOMA PREDISPOSITION SYNDROME. Identifiers: Orphanet 616, MedGen C0025149, MeSH D008527, MONDO:0007959, OMIM 155255, HP:0002885.

gnomAD v4.1: 5 of 1,613,760 alleles (0.00031%); highest among the groups gnomAD compares: African/African-American, 0.0013%; no homozygotes.

Submissions (2):

Labcorp Genetics (formerly Invitae), Labcorp
Classification: Uncertain significance. Last evaluated: 2025-04-17. Review status: criteria provided, single submitter. Criteria: Invitae Variant Classification Sherloc (09022015). Collection method: clinical testing. Allele origin: germline.
Comment: This sequence change replaces glutamine, which is neutral and polar, with glutamic acid, which is acidic and polar, at codon 496 of the ELP1 protein (p.Gln496Glu). This variant is not present in population databases (gnomAD no frequency). This variant has not been reported in the literature in individuals affected with ELP1-related conditions. ClinVar contains an entry for this variant (Variation ID: 3596281). Invitae Evidence Modeling of protein sequence and biophysical properties (such as structural, functional, and spatial information, amino acid conservation, physicochemical variation, residue mobility, and thermodynamic stability) indicates that this missense variant is not expected to disrupt ELP1 protein function with a negative predictive value of 80%. In summary, the available evidence is currently insufficient to determine the role of this variant in disease. Therefore, it has been classified as a Variant of Uncertain Significance.

Fulgent Genetics
Classification: Uncertain significance for Medulloblastoma; Familial dysautonomia. Last evaluated: 2024-06-19. Review status: criteria provided, single submitter. Criteria: ACMG Guidelines, 2015. Collection method: clinical testing. Allele origin: germline.

NM_003640.5(ELP1):c.1486C>G (p.Gln496Glu)

Gene: ELP1 (elongator acetyltransferase complex subunit 1; minus strand). Cytogenetic location: 9q31.3.
Variant type: single nucleotide variant.
Coding change: c.1486C>G on transcript NM_003640.5 (MANE Select); coding-DNA position 1486, C replaced by G.
Protein change: p.Gln496Glu; replaces glutamine 496 with glutamic acid.
Molecular consequence: missense variant.
Genome position (GRCh38, 1-based): chr9:108,906,460, G>C on the plus strand (C>G on the coding strand, the complement: ELP1 is on the minus strand). VCF-style: chr9-108906460-G-C. GRCh37 (hg19) VCF-style: chr9-111668740-G-C.
Other names: c.1144C>G, p.Gln382Glu (NM_001318360.2); c.439C>G, p.Gln147Glu (NM_001330749.2); short protein forms Q382E, Q496E, Q147E.
Identifiers: ClinVar variation 3596281 (VCV003596281.2).